The following is an entry in ClinVar:

NM_000361.3(THBD):c.119C>T (p.Pro40Leu)

Gene: THBD (thrombomodulin; minus strand). Cytogenetic location: 20p11.21.
Variant type: single nucleotide variant.
Coding change: c.119C>T on transcript NM_000361.3 (MANE Select); coding-DNA position 119, C replaced by T.
Protein change: p.Pro40Leu; replaces proline 40 with leucine.
Molecular consequence: missense variant.
Genome position (GRCh38, 1-based): chr20:23,049,386, G>A on the plus strand (C>T on the coding strand, the complement: THBD is on the minus strand). VCF-style: chr20-23049386-G-A. GRCh37 (hg19) VCF-style: chr20-23030023-G-A.
Other names: short protein forms P40L.
Identifiers: ClinVar variation 1045160 (VCV001045160.10), dbSNP rs766710327, ClinGen allele CA9787793.
Genomic context (GRCh38, chr20:23,049,386, plus strand): 5'-ATTAGGTGGCCCCGCAGTCCGTCGCAGATCTGACTGGCATTGAGGAAGGTCGCGGGGCCC[G>A]GGTAGAGCGCGAAGCAGTCGTGCTCGACGCACTGGCTGCCACCCGGCTGCGGCTCTGCGG-3'
Protein context (NP_000352.1, residues 30-50): CVEHDCFALY[Pro40Leu]GPATFLNASQ

ClinVar aggregate classification (germline): Uncertain significance. Review status: criteria provided, multiple submitters, no conflicts (2 of 4 stars). 3 submissions from 3 submitters: Uncertain significance (3). Last evaluated 2025-09-22.

Conditions:
Thrombomodulin-related bleeding disorder (THPH12). Also called: Thrombophilia due to thrombomodulin defect. Identifiers: Orphanet 436169, MedGen C3280976, MONDO:0013775, OMIM 614486.
Atypical hemolytic-uremic syndrome with thrombomodulin anomaly. Also called: HEMOLYTIC UREMIC SYNDROME, ATYPICAL, SUSCEPTIBILITY TO, 6; AHUS, SUSCEPTIBILITY TO, 6. Identifiers: MedGen C2752036, MONDO:0013044, OMIM 612926. Disease mechanism: gain of function.

Allele frequency attached by ClinVar (database versions not stated): gnomAD exomes 0.00001; ExAC 0.00002.
gnomAD v4.1: 17 of 1,599,800 alleles (0.0011%); highest among the groups gnomAD compares: South Asian, 0.0068%; no homozygotes.

Submissions (3):

Genomenon, Inc
Classification: Uncertain significance for Thrombomodulin-related bleeding disorder. Last evaluated: 2025-09-22. Review status: criteria provided, single submitter. Criteria: Genomenon Sequence Variant Interpretation Standards - Updated. Collection method: curation. Allele origin: germline. Affected: no.
Comment: THBD p.Pro40Leu (c.119C>T) is a missense variant that changes the amino acid at residue 40 from Proline to Leucine. This variant has been reported in the published literature (PMID:28939980). It is absent or not present at a significant frequency in gnomAD. In silico models agree that this variant is not damaging. In conclusion, we classify THBD p.Pro40Leu (c.119C>T) as a variant of unknown significance.

Labcorp Genetics (formerly Invitae), Labcorp
Classification: Uncertain significance. Last evaluated: 2025-07-07. Review status: criteria provided, single submitter. Criteria: Invitae Variant Classification Sherloc (09022015). Collection method: clinical testing. Allele origin: germline.
Comment: This sequence change replaces proline, which is neutral and non-polar, with leucine, which is neutral and non-polar, at codon 40 of the THBD protein (p.Pro40Leu). The frequency data for this variant in the population databases is considered unreliable, as metrics indicate poor data quality at this position in the gnomAD database. This missense change has been observed in individual(s) with atypical hemolytic uremic syndrome (PMID: 28939980). ClinVar contains an entry for this variant (Variation ID: 1045160). Invitae Evidence Modeling of protein sequence and biophysical properties (such as structural, functional, and spatial information, amino acid conservation, physicochemical variation, residue mobility, and thermodynamic stability) indicates that this missense variant is not expected to disrupt THBD protein function with a negative predictive value of 80%. In summary, the available evidence is currently insufficient to determine the role of this variant in disease. Therefore, it has been classified as a Variant of Uncertain Significance.

Fulgent Genetics
Classification: Uncertain significance for Atypical hemolytic-uremic syndrome with thrombomodulin anomaly; Thrombomodulin-related bleeding disorder. Last evaluated: 2022-01-18. Review status: criteria provided, single submitter. Criteria: ACMG Guidelines, 2015. Collection method: clinical testing. Allele origin: unknown.

Literature cited by the submitters: PubMed 28939980 (cited by Genomenon, Inc and Labcorp Genetics (formerly Invitae), Labcorp).